The following is an entry in ClinVar:

NM_015629.4(PRPF31):c.129_132dup (p.Gly45fs)

Gene: PRPF31 (pre-mRNA processing factor 31; plus strand). Cytogenetic location: 19q13.42.
Variant type: Duplication.
Coding change: c.129_132dup on transcript NM_015629.4 (MANE Select); coding-DNA positions 129 to 132, 4 bases duplicated (TTCC; older notation c.129_132dupTTCC).
Protein change: p.Gly45fs; shifts the reading frame from glycine 45.
Molecular consequence: frameshift variant.
Genome position (GRCh38, 1-based): chr19:54,118,407-54,118,410, TTCC duplicated. VCF-style (leftmost placement, unchanged base first): chr19-54118406-T-TTTCC. GRCh37 (hg19) VCF-style: chr19-54621786-T-TTTCC.
Other names: short protein forms G45fs.
Identifiers: ClinVar variation 4718507 (VCV004718507.1).

ClinVar aggregate classification (germline): Pathogenic (1 of 4 stars; one submission).

Submission:

Labcorp Genetics (formerly Invitae), Labcorp
Classification: Pathogenic. Last evaluated: 2025-04-28. Review status: criteria provided, single submitter. Criteria: Invitae Variant Classification Sherloc (09022015). Collection method: clinical testing. Allele origin: germline.
Comment: This sequence change creates a premature translational stop signal (p.Gly45Phefs*14) in the PRPF31 gene. It is expected to result in an absent or disrupted protein product. Loss-of-function variants in PRPF31 are known to be pathogenic (PMID: 18317597, 23950152). This variant is not present in population databases (gnomAD no frequency). This variant has not been reported in the literature in individuals affected with PRPF31-related conditions. For these reasons, this variant has been classified as Pathogenic.

Literature cited by the submitters: PubMed 18317597; PubMed 23950152.